The following is an entry in ClinVar:

ClinVar aggregate classification (germline): Benign/Likely benign. Review status: criteria provided, multiple submitters, no conflicts (2 of 4 stars). 11 submissions from 8 submitters: Benign (6); Likely benign (4). 1 of the submissions does not count toward it. Last evaluated 2026-02-01.

Conditions:
FGFR1-related disorder. Also called: FGFR1-related condition; FGFR1-related disorders. Identifiers: MedGen CN380097.
Pfeiffer syndrome (ACS5). Also called: ACS V. Identifiers: Orphanet 710, MedGen C0220658, MONDO:0007043, OMIM 101600.
Hypogonadotropic hypogonadism 2 with or without anosmia (HH2). Also called: HYPOGONADOTROPIC HYPOGONADISM 2 WITHOUT ANOSMIA; HYPOGONADOTROPIC HYPOGONADISM 2 WITH OR WITHOUT ANOSMIA, SUSCEPTIBILITY TO; HYPOGONADOTROPIC HYPOGONADISM 2 WITHOUT ANOSMIA, SUSCEPTIBILITY TO; FGFR1-Related GnRH Deficiency (Kallmann Syndrome 2). Identifiers: Orphanet 478, MedGen C1563720, MONDO:0007844, OMIM 147950. Disease mechanism: loss of function.
Hartsfield-Bixler-Demyer syndrome (HRTFDS). Also called: Hartsfield syndrome; Holoprosencephaly, ectrodactyly, and bilateral cleft lip/palate; FGFR1-Related Hartsfield Syndrome. Identifiers: Orphanet 2117, MedGen C1845146, MONDO:0014196, OMIM 615465. Disease mechanism: loss of function.
Craniosynostosis syndrome. Also called: Craniosynostosis. Identifiers: Orphanet 1531, MedGen C0010278, MeSH D003398, MONDO:0015469, HP:0001363.
Trigonocephaly 1 (TRIGNO1). Identifiers: Orphanet 3366, MedGen C0432122, MONDO:0008603, OMIM 190440.
Osteoglophonic dysplasia (OGD). Also called: Osteoglophonic dwarfism. Identifiers: Orphanet 2645, MedGen C0432283, MONDO:0008150, OMIM 166250.

Allele frequency attached by ClinVar (database versions not stated): ESP Exome Variant Server 0.00015; gnomAD 0.00016 and 0.00020; TOPMed 0.00018; gnomAD exomes 0.00021 and 0.00042; 1000 Genomes Project 0.00060; 1000 Genomes Project 30x 0.00062; ExAC 0.00087.
gnomAD v4.1: 337 of 1,586,190 alleles (0.021%); highest among the groups gnomAD compares: East Asian, 0.4%; 1 homozygote.

Submissions (11):

CeGaT Center for Human Genetics Tuebingen
Classification: Likely benign. Last evaluated: 2026-02-01. Review status: criteria provided, single submitter. Criteria: CeGaT Center For Human Genetics Tuebingen Variant Classification Criteria Version 2. Collection method: clinical testing. Allele origin: germline. Affected: yes. Observed: 1 variant allele.
Comment: FGFR1: BS1

Labcorp Genetics (formerly Invitae), Labcorp
Classification: Benign for Pfeiffer syndrome; Hypogonadotropic hypogonadism 2 with or without anosmia. Last evaluated: 2026-01-09. Review status: criteria provided, single submitter. Criteria: Invitae Variant Classification Sherloc (09022015). Collection method: clinical testing. Allele origin: germline.

Blueprint Genetics
Classification: Likely benign. Last evaluated: 2024-09-30. Review status: criteria provided, single submitter. Criteria: ACMG Guidelines, 2015. Collection method: clinical testing. Allele origin: germline.

GeneDx
Classification: Likely benign. Last evaluated: 2020-11-17. Review status: criteria provided, single submitter. Criteria: GeneDx Variant Classification Process June 2021. Collection method: clinical testing. Allele origin: germline. Affected: yes.
Comment: This variant is associated with the following publications: (PMID: 31748124, 29901142, 17624596, 18034870, 23657145, 26931467, 27896051, 30245029, 16764984, 19829004, 25064402, 18160472, 15605412, 23329143, 23643382)

Muenke lab, National Institutes of Health
Classification: Benign for Hartsfield-Bixler-Demyer syndrome. Last evaluated: 2018-02-26. Review status: criteria provided, single submitter. Criteria: Submitter's publication. Collection method: research. Allele origin: unknown. Inheritance: Autosomal dominant inheritance. Affected: yes. Observed: 1 variant allele, 1 heterozygote.
Comment: Functional studies in zebrafish are normal.

Illumina Laboratory Services, Illumina
Classification: Benign for Hypogonadotropic hypogonadism 2 with or without anosmia. Last evaluated: 2017-04-28. Review status: criteria provided, single submitter. Criteria: ICSL Variant Classification Criteria 13 December 2019. Collection method: clinical testing. Allele origin: germline.
Comment: This variant was observed as part of a predisposition screen in an ostensibly healthy population. A literature search was performed for the gene, cDNA change, and amino acid change (where applicable). Publications were found based on this search. The evidence from the literature, in combination with allele frequency data from public databases where available, was sufficient to rule this variant out of causing disease. Therefore, this variant is classified as benign.

Illumina Laboratory Services, Illumina
Classification: Benign for Craniosynostosis. Last evaluated: 2017-04-28. Review status: criteria provided, single submitter. Criteria: ICSL Variant Classification Criteria 13 December 2019. Collection method: clinical testing. Allele origin: germline.
Comment: This variant was observed as part of a predisposition screen in an ostensibly healthy population. A literature search was performed for the gene, cDNA change, and amino acid change (where applicable). No publications were found based on this search. Allele frequency data from public databases was too high to be consistent with this variant causing disease. Therefore, this variant is classified as benign.

Illumina Laboratory Services, Illumina
Classification: Benign for Trigonocephaly 1. Last evaluated: 2017-04-28. Review status: criteria provided, single submitter. Criteria: ICSL Variant Classification Criteria 13 December 2019. Collection method: clinical testing. Allele origin: germline.
Comment: the same text as in the submission from Illumina Laboratory Services, Illumina above.

Illumina Laboratory Services, Illumina
Classification: Benign for Osteoglophonic dysplasia. Last evaluated: 2017-04-28. Review status: criteria provided, single submitter. Criteria: ICSL Variant Classification Criteria 13 December 2019. Collection method: clinical testing. Allele origin: germline.
Comment: the same text as in the submission from Illumina Laboratory Services, Illumina above.

Breakthrough Genomics
Classification: Likely benign. Review status: criteria provided, single submitter. Criteria: ACMG Guidelines, 2015. Collection method: not provided. Allele origin: germline. Inheritance: Autosomal dominant inheritance. Affected: yes.

PreventionGenetics, part of Exact Sciences
Classification: Likely benign for FGFR1-related condition. Last evaluated: 2020-03-09. Review status: no assertion criteria provided. Collection method: clinical testing. Allele origin: germline. Not counted in ClinVar's aggregate classification.
Comment: This variant is classified as likely benign based on ACMG/AMP sequence variant interpretation guidelines (Richards et al. 2015 PMID: 25741868, with internal and published modifications).

Literature cited by the submitters: PubMed 15605412 (cited by Illumina Laboratory Services, Illumina); PubMed 25064402 (cited by Illumina Laboratory Services, Illumina); PubMed 23657145 (cited by Illumina Laboratory Services, Illumina); PubMed 16764984 (cited by Illumina Laboratory Services, Illumina).

NM_023110.3(FGFR1):c.304G>A (p.Val102Ile)

Gene: FGFR1 (fibroblast growth factor receptor 1; minus strand). Cytogenetic location: 8p11.23.
Variant type: single nucleotide variant.
Coding change: c.304G>A on transcript NM_023110.3 (MANE Select); coding-DNA position 304, G replaced by A.
Protein change: p.Val102Ile; replaces valine 102 with isoleucine.
Molecular consequence: missense variant. On other transcripts: intron variant (5).
Genome position (GRCh38, 1-based): chr8:38,429,736, C>T on the plus strand (G>A on the coding strand, the complement: FGFR1 is on the minus strand). VCF-style: chr8-38429736-C-T. GRCh37 (hg19) VCF-style: chr8-38287254-C-T.
Other names: c.304G>A, p.Val102Ile (NM_001174063.2, NM_001174065.2, NM_001354367.2 and 2 more transcripts); c.280G>A, p.Val94Ile (NM_001174064.2); c.403G>A, p.Val135Ile (NM_001174067.2); c.92-1301G>A (NM_001354368.2, NM_001354370.2, NM_023106.3 and 2 more transcripts); short protein forms V102I, V135I, V94I.
Identifiers: ClinVar variation 522603 (VCV000522603.27), dbSNP rs55642501, ClinGen allele CA4718822.
Genomic context (GRCh38, chr8:38,429,736, plus strand): 5'-ACCAACCTGAAACATTGACGGAGAAGTAGGTGGTGTCACTGCCCGAGGGGCTGCTGGTTA[C>T]GCAAGCATAGAGGCCGGAGTCTGCGGGCACGGAGTCCTGCACCTCCACCTCCTCCCCTGT-3'
Protein context (NP_075598.2, residues 92-112): VPADSGLYAC[Val102Ile]TSSPSGSDTT